The following is an entry in ClinVar:

ClinVar aggregate classification (germline): Likely benign. Review status: criteria provided, multiple submitters, no conflicts (2 of 4 stars). 2 submissions from 2 submitters: Likely benign (2). Last evaluated 2023-10-22.

Conditions:
Curry-Hall syndrome (WAD). Also called: WEYERS ACRODENTAL DYSOSTOSIS. Identifiers: Orphanet 952, MedGen C0457013, MONDO:0008673, OMIM 193530.
Ellis-van Creveld syndrome (EVC). Also called: Chondroectodermal dysplasia; MESOECTODERMAL DYSPLASIA; EVC-Related Ellis-van Creveld Syndrome; EVC2-Related Ellis-van Creveld Syndrome. Identifiers: Orphanet 289, MedGen C0013903, MONDO:0009162, OMIM 225500.

Allele frequency attached by ClinVar (database versions not stated): gnomAD exomes below 0.00001.
gnomAD v4.1: 3 of 1,614,256 alleles (0.00019%); highest among the groups gnomAD compares: South Asian, 0.0011%; no homozygotes.

Submissions (2):

Labcorp Genetics (formerly Invitae), Labcorp
Classification: Likely benign for Curry-Hall syndrome; Ellis-van Creveld syndrome. Last evaluated: 2023-10-22. Review status: criteria provided, single submitter. Criteria: Invitae Variant Classification Sherloc (09022015). Collection method: clinical testing. Allele origin: germline.

GeneDx
Classification: Likely benign. Last evaluated: 2017-06-06. Review status: criteria provided, single submitter. Criteria: GeneDx Variant Classification (06012015). Collection method: clinical testing. Allele origin: germline. Affected: yes.
Comment: This variant is considered likely benign or benign based on one or more of the following criteria: it is a conservative change, it occurs at a poorly conserved position in the protein, it is predicted to be benign by multiple in silico algorithms, and/or has population frequency not consistent with disease.

NM_147127.5(EVC2):c.3762T>G (p.Pro1254=)

Gene: EVC2 (EvC ciliary complex subunit 2; minus strand). Cytogenetic location: 4p16.2.
Variant type: single nucleotide variant.
Coding change: c.3762T>G on transcript NM_147127.5 (MANE Select); coding-DNA position 3762, T replaced by G.
Protein change: p.Pro1254=; no amino-acid change (proline 1254 retained).
Molecular consequence: synonymous variant.
Genome position (GRCh38, 1-based): chr4:5,563,013, A>C on the plus strand (T>G on the coding strand, the complement: EVC2 is on the minus strand). VCF-style: chr4-5563013-A-C. GRCh37 (hg19) VCF-style: chr4-5564740-A-C.
Other names: c.3522T>G, p.Pro1174= (NM_001166136.2).
Identifiers: ClinVar variation 510029 (VCV000510029.11), dbSNP rs1260164978, ClinGen allele CA438203071.
Genomic context (GRCh38, chr4:5,563,013, plus strand): 5'-TATAAAGAGCTTCTCTCCTGTGTTTAATAGATCAATGGTTTCTGCCCCTACAATGGGTAC[A>C]GGGGCCAGTTCGCCAATGGGCTCCAGTGACAGGTGTGGCCAACTTCCTTTTCCAGAGAAT-3'
Protein context (NP_667338.3, residues 1244-1264): LSLEPIGELA[Pro1254=]VPIVGAETID